The following is an entry in ClinVar:

NM_000393.5(COL5A2):c.1535T>C (p.Val512Ala)

Gene: COL5A2 (collagen type V alpha 2 chain; minus strand). Cytogenetic location: 2q32.2.
Variant type: single nucleotide variant.
Coding change: c.1535T>C on transcript NM_000393.5 (MANE Select); coding-DNA position 1535, T replaced by C.
Protein change: p.Val512Ala; replaces valine 512 with alanine.
Molecular consequence: missense variant.
Genome position (GRCh38, 1-based): chr2:189,066,418, A>G on the plus strand (T>C on the coding strand, the complement: COL5A2 is on the minus strand). VCF-style: chr2-189066418-A-G. GRCh37 (hg19) VCF-style: chr2-189931144-A-G.
Other names: p.V512A:GTT>GCT; c.1535T>C (NM_000393.4); short protein forms V512A.
Identifiers: ClinVar variation 136941 (VCV000136941.70), dbSNP rs35852101, ClinGen allele CA290376.

ClinVar aggregate classification (germline): Benign/Likely benign. Review status: criteria provided, multiple submitters, no conflicts (2 of 4 stars). 15 submissions from 15 submitters: Benign (11); Likely benign (2). 2 of the submissions do not count toward it. Last evaluated 2026-09-01.

Conditions:
Ehlers-Danlos syndrome, classic type, 1 (EDSCL1). Also called: EHLERS-DANLOS SYNDROME, GRAVIS TYPE; EHLERS-DANLOS SYNDROME, SEVERE CLASSIC TYPE; EDS I; Ehlers-Danlos syndrome, type 1; Ehlers-Danlos Syndrome, Classic Type, COL5A1-Related. Identifiers: MedGen C0268335, MONDO:0019567, OMIM 130000.
Ehlers-Danlos syndrome, classic type, 2 (EDSCL2). Also called: Ehlers-Danlos syndrome, type 2; Ehlers-Danlos syndrome type 2 (formerly); Ehlers-Danlos Syndrome, Classic Type, COL5A2-Related. Identifiers: Orphanet 287, Orphanet 90318, MedGen C0268336, MONDO:0019568, OMIM 130010.
Ehlers-Danlos syndrome (EDS). Identifiers: Orphanet 98249, MedGen C0013720, MONDO:0020066.
Familial thoracic aortic aneurysm and aortic dissection (TAAD). Also called: Thoracic aortic aneurysms and dissections. Identifiers: Orphanet 91387, MedGen C4707243, MONDO:0019625.

Allele frequency attached by ClinVar (database versions not stated): 1000 Genomes Project 30x 0.01187; 1000 Genomes Project 0.01198; TOPMed 0.01700; gnomAD 0.01704 and 0.01792; ESP Exome Variant Server 0.01807; gnomAD exomes 0.01818 and 0.02153; ExAC 0.01823.
gnomAD v4.1: 34,065 of 1,614,122 alleles (2.1%); highest among the groups gnomAD compares: Non-Finnish European, 2.3%; 441 homozygotes.

Submissions (15):

CeGaT Center for Human Genetics Tuebingen
Classification: Benign. Last evaluated: 2026-09-01. Review status: criteria provided, single submitter. Criteria: CeGaT Center For Human Genetics Tuebingen Variant Classification Criteria Version 2. Collection method: clinical testing. Allele origin: germline. Affected: yes. Observed: 75 variant alleles.
Comment: COL5A2: PP2, BS1, BS2

Labcorp Genetics (formerly Invitae), Labcorp
Classification: Benign for Ehlers-Danlos syndrome, classic type, 1. Last evaluated: 2026-02-04. Review status: criteria provided, single submitter. Criteria: Invitae Variant Classification Sherloc (09022015). Collection method: clinical testing. Allele origin: germline.

Molecular Diagnostic Laboratory for Inherited Cardiovascular Disease, Montreal Heart Institute
Classification: Likely benign. Last evaluated: 2025-07-24. Review status: criteria provided, single submitter. Criteria: ACMG Guidelines, 2015. Collection method: clinical testing. Allele origin: germline. Affected: no.

ARUP Laboratories, Molecular Genetics and Genomics, ARUP Laboratories
Classification: Benign for Ehlers-Danlos syndrome, classic type, 2. Last evaluated: 2025-05-09. Review status: criteria provided, single submitter. Criteria: ARUP Molecular Germline Variant Investigation Process 2024. Collection method: clinical testing. Allele origin: germline.

Blueprint Genetics
Classification: Benign. Last evaluated: 2024-11-26. Review status: criteria provided, single submitter. Criteria: ACMG Guidelines, 2015. Collection method: clinical testing. Allele origin: germline.

Genome Diagnostics Laboratory, The Hospital for Sick Children
Classification: Benign for Ehlers-Danlos syndrome. Last evaluated: 2022-07-16. Review status: criteria provided, single submitter. Criteria: ACMG Guidelines, 2015. Collection method: clinical testing. Allele origin: germline.

Mayo Clinic Laboratories, Mayo Clinic
Classification: Benign. Last evaluated: 2018-01-26. Review status: criteria provided, single submitter. Criteria: ACMG Guidelines, 2015. Collection method: clinical testing. Allele origin: germline. Observed: 248 variant alleles.

Illumina Laboratory Services, Illumina
Classification: Benign for Ehlers-Danlos syndrome, classic type, 2. Last evaluated: 2018-01-13. Review status: criteria provided, single submitter. Criteria: ICSL Variant Classification Criteria 13 December 2019. Collection method: clinical testing. Allele origin: germline.
Comment: This variant was observed in the ICSL laboratory as part of a predisposition screen in an ostensibly healthy population. It had not been previously curated by ICSL or reported in the Human Gene Mutation Database (HGMD: prior to June 1st, 2018), and was therefore a candidate for classification through an automated scoring system. Utilizing variant allele frequency, disease prevalence and penetrance estimates, and inheritance mode, an automated score was calculated to assess if this variant is too frequent to cause the disease. Based on the score and internal cut-off values, a variant classified as benign is not then subjected to further curation. The score for this variant resulted in a classification of benign for this disease.

Women's Health and Genetics/Laboratory Corporation of America, LabCorp
Classification: Benign. Last evaluated: 2017-03-21. Review status: criteria provided, single submitter. Criteria: LabCorp Variant Classification Summary - May 2015. Collection method: clinical testing. Allele origin: germline.
Comment: Variant summary: The COL5A2 c.1535T>C (p.Val512Ala) variant involves the alteration of a conserved nucleotide, resulting in a missense substitution. The variant does not lie within a known functional domain (InterPro) and 2/4 in silico tools predict a benign outcome for this variant (SNPs&GO not captured due to low reliability index). This variant was found in the large control database ExAC at a frequency of 0.0182311 (2213/121386 control chromosomes [34 homozygotes]), which is approximately 14585 times the estimated maximal expected allele frequency of a pathogenic COL5A2 variant (0.0000013), suggesting this variant is likely a benign polymorphism. In addition, multiple clinical diagnostic laboratories/reputable databases classified this variant as benign. To our knowledge, the variant of interest has not been reported in affected individuals via publications, nor has it been evaluated for functional impact by in vivo/vitro studies. Taken together, this variant is classified as benign.

Ambry Genetics
Classification: Benign for Familial thoracic aortic aneurysm and aortic dissection. Last evaluated: 2015-08-07. Review status: criteria provided, single submitter. Criteria: Ambry Variant Classification Scheme 2023. Collection method: clinical testing. Allele origin: germline.

GeneDx
Classification: Benign. Last evaluated: 2012-12-11. Review status: criteria provided, single submitter. Criteria: GeneDx Variant Classification (06012015). Collection method: clinical testing. Allele origin: germline. Affected: yes.
Comment: This variant is considered likely benign or benign based on one or more of the following criteria: it is a conservative change, it occurs at a poorly conserved position in the protein, it is predicted to be benign by multiple in silico algorithms, and/or has population frequency not consistent with disease.

Breakthrough Genomics
Classification: Likely benign. Review status: criteria provided, single submitter. Criteria: ACMG Guidelines, 2015. Collection method: not provided. Allele origin: germline. Inheritance: Autosomal dominant inheritance. Affected: yes.

PreventionGenetics, part of Exact Sciences
Classification: Benign. Review status: criteria provided, single submitter. Criteria: ACMG Guidelines, 2015. Collection method: clinical testing. Allele origin: germline.

Genome Diagnostics Laboratory, Amsterdam University Medical Center
Classification: Benign. Review status: no assertion criteria provided. Collection method: clinical testing. Allele origin: germline. Affected: yes. Study: VKGL Data-share Consensus. Not counted in ClinVar's aggregate classification.

Genome Diagnostics Laboratory, University Medical Center Utrecht
Classification: Benign. Review status: no assertion criteria provided. Collection method: clinical testing. Allele origin: germline. Affected: yes. Study: VKGL Data-share Consensus. Not counted in ClinVar's aggregate classification.